The following is an entry in ClinVar:

NC_000016.10:g.68737131C>A

Gene: CDH1 (cadherin 1; plus strand). Cytogenetic location: 16q22.1.
Variant type: single nucleotide variant.
Genome position: GRCh38 VCF-style: chr16-68737131-C-A. GRCh37 (hg19) VCF-style: chr16-68771034-C-A.
Other names: -160C-A (rs16260).
Identifiers: ClinVar variation 12247 (VCV000012247.16), dbSNP rs16260, ClinGen allele CA122000.

ClinVar aggregate classification (germline): Benign. Review status: reviewed by expert panel (3 of 4 stars). 5 submissions from 5 submitters: Benign (1). 4 of the submissions do not count toward it. Last evaluated 2023-08-10.

Conditions:
CDH1-related diffuse gastric and lobular breast cancer syndrome. Also called: CDH1-related diffuse gastric and lobular breast cancer. Identifiers: MedGen CN311521, MONDO:0100488.
Hereditary diffuse gastric adenocarcinoma (HDGC). Also called: DIFFUSE GASTRIC AND LOBULAR BREAST CANCER SYNDROME. Identifiers: Orphanet 26106, MedGen C1708349, MONDO:0007648, OMIM 137215.
Prostate cancer susceptibility. Also called: PROSTATE CANCER, SUSCEPTIBILITY TO. Identifiers: MedGen C3469524.

Allele frequency attached by ClinVar (database versions not stated): gnomAD 0.24586 and 0.24474; TOPMed 0.24571; gnomAD exomes 0.26894; 1000 Genomes Project 0.23562; 1000 Genomes Project 30x 0.23626.

Submissions (5):

Clingen Gastric Cancer Variant Curation Expert Panel
Classification: Benign for CDH1-related diffuse gastric and lobular breast cancer syndrome. Last evaluated: 2023-08-10. Review status: reviewed by expert panel. Criteria: ClinGen CDH1 ACMG Specifications V3.1. Collection method: curation. Allele origin: germline. Inheritance: Autosomal dominant inheritance.
Comment: The NM_004360.4(CDH1):c.-124-161C>A variant has an allele frequency of 0.27733 (27.73%, 4262/15368 alleles, 578 homozygotes) in the European (Non-Finnish) subpopulation of the gnomAD v2.1.1 cohort (BA1; BP2). Therefore, this variant meets criteria to be classified as benign. ACMG/AMP criteria applied, as specified by the CDH1 Variant Curation Expert Panel (Variant Interpretation Guidelines Version 3.1): BA1, BP2.

Labcorp Genetics (formerly Invitae), Labcorp
Classification: Benign for Hereditary diffuse gastric adenocarcinoma. Last evaluated: 2026-02-02. Review status: criteria provided, single submitter. Criteria: Invitae Variant Classification Sherloc (09022015). Collection method: clinical testing. Allele origin: germline. Not counted in ClinVar's aggregate classification.

GeneDx
Classification: Benign. Last evaluated: 2018-06-23. Review status: criteria provided, single submitter. Criteria: GeneDx Variant Classification Process June 2021. Collection method: clinical testing. Allele origin: germline. Affected: yes. Not counted in ClinVar's aggregate classification.
Comment: This variant is associated with the following publications: (PMID: 23231047, 24491043, 11896626, 10706097, 24023817, 22792244, 17960397, 21997289, 19569232, 16189707, 22194161, 18781193, 21214416, 20462505, 17201188)

Breakthrough Genomics
Classification: Benign. Review status: criteria provided, single submitter. Criteria: ACMG Guidelines, 2015. Collection method: not provided. Allele origin: germline. Inheritance: Autosomal dominant inheritance. Affected: yes. Not counted in ClinVar's aggregate classification.

OMIM
Classification: Benign for RECLASSIFIED - CDH1 POLYMORPHISM. Last evaluated: 2005-12-01. Review status: no assertion criteria provided. Collection method: literature only. Allele origin: germline. Not counted in ClinVar's aggregate classification.

Literature cited by the submitters: PubMed 14961571 (cited by OMIM); PubMed 16189707 (cited by OMIM); Hamosh, A. Personal Communication. 2024. Baltimore, Md. (cited by OMIM).